The following is an entry in ClinVar:

ClinVar aggregate classification (germline): Uncertain significance. Review status: criteria provided, multiple submitters, no conflicts (2 of 4 stars). 2 submissions from 2 submitters: Uncertain significance (2). Last evaluated 2022-06-03.

Conditions:
Inborn genetic diseases. Identifiers: MedGen C0950123, MeSH D030342.
Hereditary spastic paraplegia 75. Also called: Spastic paraplegia 75, autosomal recessive. Identifiers: Orphanet 459056, MedGen C4225250, MONDO:0014729, OMIM 616680.

Allele frequency attached by ClinVar (database versions not stated): gnomAD 0.00001; TOPMed 0.00001; ExAC 0.00002; gnomAD exomes 0.00002; 1000 Genomes Project 30x 0.00016; 1000 Genomes Project 0.00020.
gnomAD v4.1: 28 of 1,613,480 alleles (0.0017%); highest among the groups gnomAD compares: East Asian, 0.0067%; no homozygotes.

Submissions (2):

Labcorp Genetics (formerly Invitae), Labcorp
Classification: Uncertain significance for Hereditary spastic paraplegia 75. Last evaluated: 2022-06-03. Review status: criteria provided, single submitter. Criteria: Invitae Variant Classification Sherloc (09022015). Collection method: clinical testing. Allele origin: germline.
Comment: This sequence change replaces arginine, which is basic and polar, with histidine, which is basic and polar, at codon 576 of the MAG protein (p.Arg576His). In summary, the available evidence is currently insufficient to determine the role of this variant in disease. Therefore, it has been classified as a Variant of Uncertain Significance. Algorithms developed to predict the effect of missense changes on protein structure and function output the following: SIFT: "Deleterious"; PolyPhen-2: "Probably Damaging"; Align-GVGD: "Class C0". The histidine amino acid residue is found in multiple mammalian species, which suggests that this missense change does not adversely affect protein function. This variant has not been reported in the literature in individuals affected with MAG-related conditions. This variant is present in population databases (rs199895557, gnomAD 0.006%).

Ambry Genetics
Classification: Uncertain significance for Inborn genetic diseases. Last evaluated: 2021-01-06. Review status: criteria provided, single submitter. Criteria: Ambry Variant Classification Scheme 2023. Collection method: clinical testing. Allele origin: germline.
Comment: The c.1727G>A (p.R576H) alteration is located in exon 11 (coding exon 9) of the MAG gene. This alteration results from a G to A substitution at nucleotide position 1727, causing the arginine (R) at amino acid position 576 to be replaced by a histidine (H). The in silico prediction for the p.R576H alteration is inconclusive. Based on insufficient or conflicting evidence, the clinical significance of this alteration remains unclear.

NM_002361.4(MAG):c.1727G>A (p.Arg576His)

Gene: MAG (myelin associated glycoprotein; plus strand). Cytogenetic location: 19q13.12.
Variant type: single nucleotide variant.
Coding change: c.1727G>A on transcript NM_002361.4 (MANE Select); coding-DNA position 1727, G replaced by A.
Protein change: p.Arg576His; replaces arginine 576 with histidine.
Molecular consequence: missense variant. On other transcripts: 3 prime UTR variant (1).
Genome position (GRCh38, 1-based): chr19:35,313,300, G>A. VCF-style: chr19-35313300-G-A. GRCh37 (hg19) VCF-style: chr19-35804203-G-A.
Other names: c.1652G>A, p.Arg551His (NM_001199216.2); c.*23G>A (NM_080600.3); short protein forms R576H, R551H.
Identifiers: ClinVar variation 2073236 (VCV002073236.5), dbSNP rs199895557, ClinGen allele CA9376407.